The following is an entry in ClinVar:

ClinVar aggregate classification (germline): Uncertain significance (1 of 4 stars; one submission).

Conditions:
Hereditary cancer-predisposing syndrome. Also called: Neoplastic Syndromes, Hereditary; Tumor predisposition; Hereditary Cancer Syndrome; Hereditary neoplastic syndrome. Identifiers: Orphanet 140162, MedGen C0027672, MeSH D009386, MONDO:0015356.

Submission:

Ambry Genetics
Classification: Uncertain significance for Hereditary cancer-predisposing syndrome. Last evaluated: 2021-02-18. Review status: criteria provided, single submitter. Criteria: Ambry Variant Classification Scheme 2023. Collection method: clinical testing. Allele origin: germline.
Comment: The p.R2833P variant (also known as c.8498G>C), located in coding exon 15 of the APC gene, results from a G to C substitution at nucleotide position 8498. The arginine at codon 2833 is replaced by proline, an amino acid with dissimilar properties. This amino acid position is highly conserved in available vertebrate species. In addition, in silico predictors for this gene do not accurately predict pathogenicity. Since supporting evidence is limited at this time, the clinical significance of this alteration remains unclear.

NM_000038.6(APC):c.8498G>C (p.Arg2833Pro)

Gene: APC (APC regulator of Wnt signaling pathway; plus strand). Cytogenetic location: 5q22.2.
Variant type: single nucleotide variant.
Coding change: c.8498G>C on transcript NM_000038.6 (MANE Select); coding-DNA position 8498, G replaced by C.
Protein change: p.Arg2833Pro; replaces arginine 2833 with proline.
Molecular consequence: missense variant.
Genome position (GRCh38, 1-based): chr5:112,844,092, G>C. VCF-style: chr5-112844092-G-C. GRCh37 (hg19) VCF-style: chr5-112179789-G-C.
Other names: c.8498G>C, p.Arg2833Pro (NM_001127510.3, NM_001354895.2, NM_001407450.1); c.8444G>C, p.Arg2815Pro (NM_001127511.3); c.8552G>C, p.Arg2851Pro (NM_001354896.2, NM_001407447.1, NM_001407448.1 and 1 more transcripts); c.8528G>C, p.Arg2843Pro (NM_001354897.2); c.8423G>C, p.Arg2808Pro (NM_001354898.2); c.8414G>C, p.Arg2805Pro (NM_001354899.2); c.8375G>C, p.Arg2792Pro (NM_001354900.2); c.8321G>C, p.Arg2774Pro (NM_001354901.2, NM_001407453.1); and 11 more; short protein forms R2704P, R2707P, R2774P, R2815P, R2833P, R2750P, R2792P, R2826P.
Identifiers: ClinVar variation 1763587 (VCV001763587.2), dbSNP rs587779810, ClinGen allele CA16039766.